The following is an entry in ClinVar:

ClinVar aggregate classification (germline): Uncertain significance (1 of 4 stars; one submission).

Conditions:
LAMB2-related infantile-onset nephrotic syndrome. Also called: NEPHROTIC SYNDROME, TYPE 5, WITHOUT OCULAR ABNORMALITIES; NEPHROTIC SYNDROME, TYPE 5, WITH OCULAR ABNORMALITIES; Nephrotic Syndrome, type 5. Identifiers: Orphanet 306507, MedGen C3280113, MONDO:0013621, OMIM 614199.
Pierson syndrome. Also called: MICROCORIA-CONGENITAL NEPHROTIC SYNDROME. Identifiers: Orphanet 2670, MedGen C1836876, MONDO:0012184, OMIM 609049.

Submission:

Labcorp Genetics (formerly Invitae), Labcorp
Classification: Uncertain significance for LAMB2-related infantile-onset nephrotic syndrome; Pierson syndrome. Last evaluated: 2024-04-25. Review status: criteria provided, single submitter. Criteria: Invitae Variant Classification Sherloc (09022015). Collection method: clinical testing. Allele origin: germline.
Comment: This sequence change replaces histidine, which is basic and polar, with leucine, which is neutral and non-polar, at codon 1366 of the LAMB2 protein (p.His1366Leu). This variant is not present in population databases (gnomAD no frequency). This variant has not been reported in the literature in individuals affected with LAMB2-related conditions. An algorithm developed to predict the effect of missense changes on protein structure and function (PolyPhen-2) suggests that this variant¬¨‚Ä†is likely to be tolerated. In summary, the available evidence is currently insufficient to determine the role of this variant in disease. Therefore, it has been classified as a Variant of Uncertain Significance.

NM_002292.4(LAMB2):c.4097A>T (p.His1366Leu)

Gene: LAMB2 (laminin subunit beta 2; minus strand). Cytogenetic location: 3p21.31.
Variant type: single nucleotide variant.
Coding change: c.4097A>T on transcript NM_002292.4 (MANE Select); coding-DNA position 4097, A replaced by T.
Protein change: p.His1366Leu; replaces histidine 1366 with leucine.
Molecular consequence: missense variant.
Genome position (GRCh38, 1-based): chr3:49,123,259, T>A on the plus strand (A>T on the coding strand, the complement: LAMB2 is on the minus strand). VCF-style: chr3-49123259-T-A. GRCh37 (hg19) VCF-style: chr3-49160692-T-A.
Other names: short protein forms H1366L.
Identifiers: ClinVar variation 3750436 (VCV003750436.1).